The following is an entry in ClinVar:

NM_052947.4(ALPK2):c.46T>C (p.Ser16Pro)

Gene: ALPK2 (alpha kinase 2; minus strand). Cytogenetic location: 18q21.32.
Variant type: single nucleotide variant.
Coding change: c.46T>C on transcript NM_052947.4 (MANE Select); coding-DNA position 46, T replaced by C.
Protein change: p.Ser16Pro; replaces serine 16 with proline.
Molecular consequence: missense variant.
Genome position (GRCh38, 1-based): chr18:58,611,752, A>G on the plus strand (T>C on the coding strand, the complement: ALPK2 is on the minus strand). VCF-style: chr18-58611752-A-G. GRCh37 (hg19) VCF-style: chr18-56278984-A-G.
Other names: short protein forms S16P.
Identifiers: ClinVar variation 1742550 (VCV001742550.2), dbSNP rs2052132785, ClinGen allele CA402558091.

ClinVar aggregate classification (germline): Uncertain significance (1 of 4 stars; one submission).

gnomAD v4.1: 7 of 1,612,622 alleles (0.00043%); highest among the groups gnomAD compares: Non-Finnish European, 0.00059%; no homozygotes.

Submission:

Ambry Genetics
Classification: Uncertain significance. Last evaluated: 2021-07-08. Review status: criteria provided, single submitter. Criteria: Ambry Variant Classification Scheme 2023. Collection method: clinical testing. Allele origin: germline.
Comment: The p.S16P variant (also known as c.46T>C), located in coding exon 1 of the ALPK2 gene, results from a T to C substitution at nucleotide position 46. The serine at codon 16 is replaced by proline, an amino acid with similar properties. This amino acid position is conserved. In addition, this alteration is predicted to be tolerated by in silico analysis. Since supporting evidence is limited at this time, the clinical significance of this alteration remains unclear.